The following is an entry in ClinVar:

ClinVar aggregate classification (germline): Likely benign (1 of 4 stars; one submission).

Allele frequency attached by ClinVar (database versions not stated): TOPMed below 0.00001 and 0.00001; gnomAD 0.00001; gnomAD exomes below 0.00001.
gnomAD v4.1: 2 of 1,613,792 alleles (0.00012%); highest among the groups gnomAD compares: African/African-American, 0.0013%; no homozygotes.

Submission:

GeneDx
Classification: Likely benign. Last evaluated: 2018-03-02. Review status: criteria provided, single submitter. Criteria: GeneDx Variant Classification (06012015). Collection method: clinical testing. Allele origin: germline. Affected: yes.
Comment: This variant is considered likely benign or benign based on one or more of the following criteria: it is a conservative change, it occurs at a poorly conserved position in the protein, it is predicted to be benign by multiple in silico algorithms, and/or has population frequency not consistent with disease.

NM_004519.4(KCNQ3):c.1700+12A>C

Gene: KCNQ3 (potassium voltage-gated channel subfamily Q member 3; minus strand). Cytogenetic location: 8q24.22.
Variant type: single nucleotide variant.
Coding change: c.1700+12A>C on transcript NM_004519.4 (MANE Select); 12 bases into the intron after coding-DNA position 1700, A replaced by C.
Molecular consequence: intron variant.
Genome position (GRCh38, 1-based): chr8:132,137,873, T>G on the plus strand (A>C on the coding strand, the complement: KCNQ3 is on the minus strand). VCF-style: chr8-132137873-T-G. GRCh37 (hg19) VCF-style: chr8-133150120-T-G.
Other names: c.1340+12A>C (NM_001204824.2).
Identifiers: ClinVar variation 515592 (VCV000515592.1), dbSNP rs1035669898, ClinGen allele CA185432125.